The following is an entry in ClinVar:

NM_000038.6(APC):c.3822T>A (p.Cys1274Ter)

Gene: APC (APC regulator of Wnt signaling pathway; plus strand). Cytogenetic location: 5q22.2.
Variant type: single nucleotide variant.
Coding change: c.3822T>A on transcript NM_000038.6 (MANE Select); coding-DNA position 3822, T replaced by A.
Protein change: p.Cys1274Ter; replaces cysteine 1274 with a stop codon.
Molecular consequence: nonsense.
Genome position (GRCh38, 1-based): chr5:112,839,416, T>A. VCF-style: chr5-112839416-T-A. GRCh37 (hg19) VCF-style: chr5-112175113-T-A.
Other names: c.3822T>A, p.Cys1274Ter (NM_001127510.3, NM_001354895.2, NM_001407450.1); c.3768T>A, p.Cys1256Ter (NM_001127511.3); c.3876T>A, p.Cys1292Ter (NM_001354896.2, NM_001407447.1, NM_001407448.1 and 1 more transcripts); c.3906T>A, p.Cys1302Ter (NM_001407446.1); c.3801T>A, p.Cys1267Ter (NM_001407451.1); c.3792T>A, p.Cys1264Ter (NM_001407452.1); c.3645T>A, p.Cys1215Ter (NM_001407453.1, NM_001354901.2); c.3573T>A, p.Cys1191Ter (NM_001407454.1, NM_001407455.1, NM_001407456.1 and 1 more transcripts); and 11 more; short protein forms C1114*, C1173*, C1215*, C1274*, C1284*, C1292*, C1148*, C1183*.
Identifiers: ClinVar variation 1735279 (VCV001735279.4), dbSNP rs1554085326, ClinGen allele CA16029717.

ClinVar aggregate classification (germline): Pathogenic. Review status: criteria provided, multiple submitters, no conflicts (2 of 4 stars). 2 submissions from 2 submitters: Pathogenic (2). Last evaluated 2024-01-30.

Conditions:
Hereditary cancer-predisposing syndrome. Also called: Neoplastic Syndromes, Hereditary; Tumor predisposition; Hereditary Cancer Syndrome; Hereditary neoplastic syndrome. Identifiers: Orphanet 140162, MedGen C0027672, MeSH D009386, MONDO:0015356.
Familial adenomatous polyposis 1 (FAP1). Also called: FAMILIAL ADENOMATOUS POLYPOSIS 1, ATTENUATED; POLYPOSIS, ADENOMATOUS INTESTINAL. Identifiers: MedGen C2713442, MONDO:0021056, OMIM 175100. Disease mechanism: loss of function.

Submissions (2):

Labcorp Genetics (formerly Invitae), Labcorp
Classification: Pathogenic for Familial adenomatous polyposis 1. Last evaluated: 2024-01-30. Review status: criteria provided, single submitter. Criteria: Invitae Variant Classification Sherloc (09022015). Collection method: clinical testing. Allele origin: germline.
Comment: This sequence change creates a premature translational stop signal (p.Cys1274*) in the APC gene. While this is not anticipated to result in nonsense mediated decay, it is expected to disrupt the last 1570 amino acid(s) of the APC protein. This variant is not present in population databases (gnomAD no frequency). This variant has not been reported in the literature in individuals affected with APC-related conditions. ClinVar contains an entry for this variant (Variation ID: 1735279). A different truncation (p.Tyr2645Lysfs*14) that lies downstream of this variant has been determined to be pathogenic (PMID: 9824584, 1316610, 27081525, 8381579, 22135120, Invitae). This suggests that deletion of this region of the APC protein is causative of disease. This variant is expected to disrupt the EB1 and HDLG binding sites, which mediate interactions with the cytoskeleton (PMID: 15311282, 17293347). While functional studies have not been performed to directly test the effect on APC protein function, this suggests that disruption of the C-terminal portion of the protein is functionally important. For these reasons, this variant has been classified as Pathogenic.

Ambry Genetics
Classification: Pathogenic for Hereditary cancer-predisposing syndrome. Last evaluated: 2020-07-24. Review status: criteria provided, single submitter. Criteria: Ambry Variant Classification Scheme 2023. Collection method: clinical testing. Allele origin: germline.
Comment: The p.C1274* variant (also known as c.3822T>A), located in coding exon 15 of the APC gene, results from a T to A substitution at nucleotide position 3822. This changes the amino acid from a cysteine to a stop codon within coding exon 15. This alteration occurs at the 3' terminus of theAPC gene, is not expected to trigger nonsense-mediated mRNA decay and only impacts the last 1570 amino acids of the protein. However, premature stop codons are typically deleterious in nature and the impacted region is critical for protein function and a significant portion of the protein is affected. As such, this alteration is interpreted as a disease-causing mutation.

Literature cited by the submitters: PubMed 9824584 (cited by Labcorp Genetics (formerly Invitae), Labcorp); PubMed 1316610 (cited by Labcorp Genetics (formerly Invitae), Labcorp); PubMed 27081525 (cited by Labcorp Genetics (formerly Invitae), Labcorp); PubMed 8381579 (cited by Labcorp Genetics (formerly Invitae), Labcorp); PubMed 22135120 (cited by Labcorp Genetics (formerly Invitae), Labcorp); PubMed 15311282 (cited by Labcorp Genetics (formerly Invitae), Labcorp); PubMed 17293347 (cited by Labcorp Genetics (formerly Invitae), Labcorp).